The following is an entry in ClinVar:

ClinVar aggregate classification (germline): Uncertain significance (1 of 4 stars; one submission).

Allele frequency attached by ClinVar (database versions not stated): gnomAD exomes below 0.00001.
gnomAD v4.1: 1 of 1,613,398 alleles (0.000062%); highest among the groups gnomAD compares: Non-Finnish European, 0.000085%; no homozygotes.

Submission:

Labcorp Genetics (formerly Invitae), Labcorp
Classification: Uncertain significance. Last evaluated: 2021-10-25. Review status: criteria provided, single submitter. Criteria: Invitae Variant Classification Sherloc (09022015). Collection method: clinical testing. Allele origin: germline.
Comment: In summary, the available evidence is currently insufficient to determine the role of this variant in disease. Therefore, it has been classified as a Variant of Uncertain Significance. Algorithms developed to predict the effect of missense changes on protein structure and function output the following: SIFT: "Tolerated"; PolyPhen-2: "Benign"; Align-GVGD: "Class C0". The isoleucine amino acid residue is found in multiple mammalian species, which suggests that this missense change does not adversely affect protein function. This variant has not been reported in the literature in individuals affected with HMCN1-related conditions. This variant is not present in population databases (gnomAD no frequency). This sequence change replaces valine, which is neutral and non-polar, with isoleucine, which is neutral and non-polar, at codon 2824 of the HMCN1 protein (p.Val2824Ile).

NM_031935.3(HMCN1):c.8470G>A (p.Val2824Ile)

Gene: HMCN1 (hemicentin 1; plus strand). Cytogenetic location: 1q31.1.
Variant type: single nucleotide variant.
Coding change: c.8470G>A on transcript NM_031935.3 (MANE Select); coding-DNA position 8470, G replaced by A.
Protein change: p.Val2824Ile; replaces valine 2824 with isoleucine.
Molecular consequence: missense variant.
Genome position (GRCh38, 1-based): chr1:186,076,607, G>A. VCF-style: chr1-186076607-G-A. GRCh37 (hg19) VCF-style: chr1-186045739-G-A.
Other names: short protein forms V2824I.
Identifiers: ClinVar variation 1434404 (VCV001434404.6), dbSNP rs2102362166, ClinGen allele CA343913186.